The following is an entry in ClinVar:

NC_012920.1(MT-ATP6):m.8812A>T

Gene: MT-ATP6 (mitochondrially encoded ATP synthase 6; plus strand).
Variant type: single nucleotide variant.
Genome position: chrM-8812-A-T.
Identifiers: ClinVar variation 692991 (VCV000692991.1), dbSNP rs1556423543, ClinGen allele CA414798230.

ClinVar aggregate classification (germline): Uncertain significance (1 of 4 stars; one submission).

Conditions:
Leigh syndrome (NULS). Also called: Leigh's necrotizing encephalopathy; Leigh's disease; Leigh Syndrome (mtDNA deletion); Leigh Disease; Subacute necrotizing encephalopathy; Necrotizing encephalopathy infantile subacute of Leigh. Identifiers: Orphanet 506, MedGen C2931891, MONDO:0009723, OMIM 256000.

Submission:

Wong Mito Lab, Molecular and Human Genetics, Baylor College of Medicine
Classification: Uncertain significance for Leigh syndrome. Last evaluated: 2019-10-17. Review status: criteria provided, single submitter. Criteria: Modified ACMG Guidelines (Unpublished). Collection method: clinical testing. Allele origin: germline.
Comment: The NC_012920.1:m.8812A>T (YP_003024031.1:p.Thr96Ser) variant in MTATP6 gene is interpretated to be a Uncertain Significance variant based on the modified ACMG guidelines (unpublished). This variant meets the following evidence codes: PP4